The following is an entry in ClinVar:

NM_000138.5(FBN1):c.6655T>G (p.Phe2219Val)

Gene: FBN1 (fibrillin 1; minus strand). Cytogenetic location: 15q21.1.
Variant type: single nucleotide variant.
Coding change: c.6655T>G on transcript NM_000138.5 (MANE Select); coding-DNA position 6655, T replaced by G.
Protein change: p.Phe2219Val; replaces phenylalanine 2219 with valine.
Molecular consequence: missense variant.
Genome position (GRCh38, 1-based): chr15:48,432,950, A>C on the plus strand (T>G on the coding strand, the complement: FBN1 is on the minus strand). VCF-style: chr15-48432950-A-C. GRCh37 (hg19) VCF-style: chr15-48725147-A-C.
Other names: short protein forms F2219V.
Identifiers: ClinVar variation 966095 (VCV000966095.9), dbSNP rs2043035646, ClinGen allele CA392333578.

ClinVar aggregate classification (germline): Pathogenic (1 of 4 stars; one submission).

Conditions:
Marfan syndrome (MFS). Also called: FBN1-Related Marfan Syndrome; MARFAN SYNDROME, TYPE I; Marfan syndrome type 1; Marfan's syndrome; Marfan syndrome, classic. Identifiers: Orphanet 284963, Orphanet 558, MedGen C0024796, MONDO:0007947, OMIM 154700.
Familial thoracic aortic aneurysm and aortic dissection (TAAD). Also called: Thoracic aortic aneurysms and dissections. Identifiers: Orphanet 91387, MedGen C4707243, MONDO:0019625.

Submission:

Labcorp Genetics (formerly Invitae), Labcorp
Classification: Pathogenic for Marfan syndrome; Familial thoracic aortic aneurysm and aortic dissection. Last evaluated: 2025-04-27. Review status: criteria provided, single submitter. Criteria: Invitae Variant Classification Sherloc (09022015). Collection method: clinical testing. Allele origin: germline.
Comment: This sequence change replaces phenylalanine, which is neutral and non-polar, with valine, which is neutral and non-polar, at codon 2219 of the FBN1 protein (p.Phe2219Val). This variant is not present in population databases (gnomAD no frequency). This missense change has been observed in individuals with FBN1-related conditions (internal data). It has also been observed to segregate with disease in related individuals. ClinVar contains an entry for this variant (Variation ID: 966095). Invitae Evidence Modeling of protein sequence and biophysical properties (such as structural, functional, and spatial information, amino acid conservation, physicochemical variation, residue mobility, and thermodynamic stability) indicates that this missense variant is expected to disrupt FBN1 protein function with a positive predictive value of 95%. This variant disrupts the p.Phe2219 amino acid residue in FBN1. Other variant(s) that disrupt this residue have been observed in individuals with FBN1-related conditions (PMID: 24793577), which suggests that this may be a clinically significant amino acid residue. For these reasons, this variant has been classified as Pathogenic.

Literature cited by the submitters: PubMed 24793577.